The following is an entry in ClinVar:

NM_002184.4(IL6ST):c.2045T>C (p.Met682Thr)

Gene: IL6ST (interleukin 6 cytokine family signal transducer; minus strand). Cytogenetic location: 5q11.2.
Variant type: single nucleotide variant.
Coding change: c.2045T>C on transcript NM_002184.4 (MANE Select); coding-DNA position 2045, T replaced by C.
Protein change: p.Met682Thr; replaces methionine 682 with threonine.
Molecular consequence: missense variant. On other transcripts: 3 prime UTR variant (1), non-coding transcript variant (2).
Genome position (GRCh38, 1-based): chr5:55,941,794, A>G on the plus strand (T>C on the coding strand, the complement: IL6ST is on the minus strand). VCF-style: chr5-55941794-A-G. GRCh37 (hg19) VCF-style: chr5-55237622-A-G.
Other names: c.1862T>C, p.Met621Thr (NM_001190981.2); c.1943T>C, p.Met648Thr (NM_001364275.2); c.1835T>C, p.Met612Thr (NM_001364276.2); c.1178T>C, p.Met393Thr (NM_001364277.2); c.1142T>C, p.Met381Thr (NM_001364278.2); c.1049T>C, p.Met350Thr (NM_001364279.2); c.*972T>C (NM_175767.3); c.2045T>C (NM_002184.3); short protein forms M381T, M393T, M350T, M621T, M648T, M682T, M612T.
Identifiers: ClinVar variation 1441425 (VCV001441425.10), dbSNP rs200652995, ClinGen allele CA3271207.

ClinVar aggregate classification (germline): Uncertain significance. Review status: criteria provided, multiple submitters, no conflicts (2 of 4 stars). 2 submissions from 2 submitters: Uncertain significance (2). Last evaluated 2025-12-16.

Allele frequency attached by ClinVar (database versions not stated): ESP Exome Variant Server 0.00008; gnomAD exomes 0.00010 and 0.00013; gnomAD 0.00017 and 0.00019; ExAC 0.00019.
gnomAD v4.1: 179 of 1,610,754 alleles (0.011%); highest among the groups gnomAD compares: Non-Finnish European, 0.013%; no homozygotes.

Submissions (2):

Labcorp Genetics (formerly Invitae), Labcorp
Classification: Uncertain significance. Last evaluated: 2025-12-16. Review status: criteria provided, single submitter. Criteria: Invitae Variant Classification Sherloc (09022015). Collection method: clinical testing. Allele origin: germline.
Comment: This sequence change replaces methionine, which is neutral and non-polar, with threonine, which is neutral and polar, at codon 682 of the IL6ST protein (p.Met682Thr). This variant is present in population databases (rs200652995, gnomAD 0.04%). This variant has not been reported in the literature in individuals affected with IL6ST-related conditions. ClinVar contains an entry for this variant (Variation ID: 1441425). An algorithm developed to predict the effect of missense changes on protein structure and function (PolyPhen-2) suggests that this variant is likely to be tolerated. In summary, the available evidence is currently insufficient to determine the role of this variant in disease. Therefore, it has been classified as a Variant of Uncertain Significance.

Ambry Genetics
Classification: Uncertain significance. Last evaluated: 2025-09-10. Review status: criteria provided, single submitter. Criteria: Ambry Variant Classification Scheme 2023. Collection method: clinical testing. Allele origin: germline.